The following is an entry in ClinVar:

ClinVar aggregate classification (germline): Likely benign (1 of 4 stars; one submission).

Allele frequency attached by ClinVar (database versions not stated): gnomAD exomes below 0.00001; TOPMed below 0.00001.
gnomAD v4.1: 6 of 1,612,188 alleles (0.00037%); highest among the groups gnomAD compares: Non-Finnish European, 0.00051%; no homozygotes.

Submission:

GeneDx
Classification: Likely benign. Last evaluated: 2018-01-08. Review status: criteria provided, single submitter. Criteria: GeneDx Variant Classification (06012015). Collection method: clinical testing. Allele origin: germline. Affected: yes.
Comment: This variant is considered likely benign or benign based on one or more of the following criteria: it is a conservative change, it occurs at a poorly conserved position in the protein, it is predicted to be benign by multiple in silico algorithms, and/or has population frequency not consistent with disease.

NM_018136.5(ASPM):c.8004A>G (p.Ala2668=)

Gene: ASPM (assembly factor for spindle microtubules; minus strand). Cytogenetic location: 1q31.3.
Variant type: single nucleotide variant.
Coding change: c.8004A>G on transcript NM_018136.5 (MANE Select); coding-DNA position 8004, A replaced by G.
Protein change: p.Ala2668=; no amino-acid change (alanine 2668 retained).
Molecular consequence: synonymous variant. On other transcripts: intron variant (1).
Genome position (GRCh38, 1-based): chr1:197,101,247, T>C on the plus strand (A>G on the coding strand, the complement: ASPM is on the minus strand). VCF-style: chr1-197101247-T-C. GRCh37 (hg19) VCF-style: chr1-197070377-T-C.
Other names: c.4066-5083A>G (NM_001206846.2).
Identifiers: ClinVar variation 514513 (VCV000514513.1), dbSNP rs1242167300, ClinGen allele CA422805630.